The following is an entry in ClinVar:

NM_000352.6(ABCC8):c.1686C>T (p.His562=)

Gene: ABCC8 (ATP binding cassette subfamily C member 8; minus strand). Cytogenetic location: 11p15.1.
Variant type: single nucleotide variant.
Coding change: c.1686C>T on transcript NM_000352.6 (MANE Select); coding-DNA position 1686, C replaced by T.
Protein change: p.His562=; no amino-acid change (histidine 562 retained).
Molecular consequence: synonymous variant. On other transcripts: non-coding transcript variant (1).
Genome position (GRCh38, 1-based): chr11:17,430,945, G>A on the plus strand (C>T on the coding strand, the complement: ABCC8 is on the minus strand). VCF-style: chr11-17430945-G-A. GRCh37 (hg19) VCF-style: chr11-17452492-G-A.
Other names: p.His562=; c.1686C>T, p.His562= (NM_001287174.3, NM_001351295.2); c.1683C>T, p.His561= (NM_001351296.2, NM_001351297.2); c.1686C>T (NM_000352.5).
Identifiers: ClinVar variation 157684 (VCV000157684.31), dbSNP rs1799857, ClinGen allele CA171042.

ClinVar aggregate classification (germline): Conflicting classifications of pathogenicity. Review status: criteria provided, conflicting classifications (1 of 4 stars). 18 submissions from 13 submitters: Uncertain significance (1); Benign (13). 4 of the submissions do not count toward it. Last evaluated 2026-02-04.

Conditions:
Diabetes mellitus, permanent neonatal 3. Also called: ABCC8-Related Permanent Neonatal Diabetes Mellitus. Identifiers: MedGen C5394303, MONDO:0030088, OMIM 618857.
Hereditary hyperinsulinism.
Permanent neonatal diabetes mellitus (PNDM). Identifiers: Orphanet 99885, MedGen C1833104, MONDO:0100164, MONDO:0011643. Disease mechanism: gain of function.
Diabetes mellitus, transient neonatal, 2 (TNDM2). Identifiers: Orphanet 99886, MedGen C1835887, MONDO:0012480, OMIM 610374. Disease mechanism: loss of function.
Leucine-induced hypoglycemia (LIH). Also called: LEUCINE-SENSITIVE HYPOGLYCEMIA OF INFANCY. Identifiers: MedGen C0271714, MONDO:0009415, OMIM 240800.
Hyperinsulinemic hypoglycemia, familial, 1 (HHF1). Also called: Persistent hyperinsulinemic hypoglycemia of infancy; NESIDIOBLASTOSIS OF PANCREAS; Persistent Hyperinsulinemia Hypoglycemia of Infancy; HYPERINSULINISM, FAMILIAL, WITH PANCREATIC NESIDIOBLASTOSIS; HYPOGLYCEMIA, HYPERINSULINEMIC, OF INFANCY. Identifiers: Orphanet 276575, Orphanet 276598, MedGen C2931832, MONDO:0009734, OMIM 256450.
Cerebral edema. Also called: Brain edema. Identifiers: MedGen C0006114, MONDO:0006684, HP:0002181.

Allele frequency attached by ClinVar (database versions not stated): gnomAD exomes 0.42185 and 0.44623; 1000 Genomes Project 30x 0.42864; 1000 Genomes Project 0.42991; ExAC 0.43112; TOPMed 0.43986; gnomAD 0.44239 and 0.44260; ESP Exome Variant Server 0.45872.
gnomAD v4.1: 718,927 of 1,613,774 alleles (45%); highest among the groups gnomAD compares: South Asian, 50%; 161,862 homozygotes.

Submissions (18):

Labcorp Genetics (formerly Invitae), Labcorp
Classification: Benign. Last evaluated: 2026-02-04. Review status: criteria provided, single submitter. Criteria: Invitae Variant Classification Sherloc (09022015). Collection method: clinical testing. Allele origin: germline.

Blueprint Genetics
Classification: Benign. Last evaluated: 2024-11-27. Review status: criteria provided, single submitter. Criteria: ACMG Guidelines, 2015. Collection method: clinical testing. Allele origin: germline.

Pars Genome Lab
Classification: Benign for Leucine-induced hypoglycemia. Last evaluated: 2021-07-01. Review status: criteria provided, single submitter. Criteria: ACMG Guidelines, 2015. Collection method: clinical testing. Allele origin: germline. Affected: no.

Pars Genome Lab
Classification: Benign for Hyperinsulinemic hypoglycemia, familial, 1. Last evaluated: 2021-07-01. Review status: criteria provided, single submitter. Criteria: ACMG Guidelines, 2015. Collection method: clinical testing. Allele origin: germline. Affected: no.

Pars Genome Lab
Classification: Benign for Diabetes mellitus, transient neonatal, 2. Last evaluated: 2021-07-01. Review status: criteria provided, single submitter. Criteria: ACMG Guidelines, 2015. Collection method: clinical testing. Allele origin: germline. Affected: no.

Pars Genome Lab
Classification: Benign for Diabetes mellitus, permanent neonatal 3. Last evaluated: 2021-07-01. Review status: criteria provided, single submitter. Criteria: ACMG Guidelines, 2015. Collection method: clinical testing. Allele origin: germline. Affected: no.

Mayo Clinic Laboratories, Mayo Clinic
Classification: Benign. Last evaluated: 2021-04-07. Review status: criteria provided, single submitter. Criteria: ACMG Guidelines, 2015. Collection method: clinical testing. Allele origin: germline. Observed: 1 variant allele.

Athena Diagnostics
Classification: Benign. Last evaluated: 2021-03-09. Review status: criteria provided, single submitter. Criteria: Athena Diagnostics criteria. Collection method: clinical testing. Allele origin: unknown.

GeneDx
Classification: Benign. Last evaluated: 2018-08-09. Review status: criteria provided, single submitter. Criteria: GeneDx Variant Classification Process June 2021. Collection method: clinical testing. Allele origin: germline. Affected: yes.

Illumina Laboratory Services, Illumina
Classification: Benign for Permanent neonatal diabetes mellitus 1. Last evaluated: 2018-01-13. Review status: criteria provided, single submitter. Criteria: ICSL Variant Classification Criteria 13 December 2019. Collection method: clinical testing. Allele origin: germline.
Comment: This variant was observed in the ICSL laboratory as part of a predisposition screen in an ostensibly healthy population. It had not been previously curated by ICSL or reported in the Human Gene Mutation Database (HGMD: prior to June 1st, 2018), and was therefore a candidate for classification through an automated scoring system. Utilizing variant allele frequency, disease prevalence and penetrance estimates, and inheritance mode, an automated score was calculated to assess if this variant is too frequent to cause the disease. Based on the score and internal cut-off values, a variant classified as benign is not then subjected to further curation. The score for this variant resulted in a classification of benign for this disease.

Illumina Laboratory Services, Illumina
Classification: Benign for Diabetes mellitus, transient neonatal, 2. Last evaluated: 2018-01-13. Review status: criteria provided, single submitter. Criteria: ICSL Variant Classification Criteria 13 December 2019. Collection method: clinical testing. Allele origin: germline.
Comment: the same text as in the submission from Illumina Laboratory Services, Illumina above.

Illumina Laboratory Services, Illumina
Classification: Benign for Hyperinsulinemic hypoglycemia, familial, 1. Last evaluated: 2018-01-13. Review status: criteria provided, single submitter. Criteria: ICSL Variant Classification Criteria 13 December 2019. Collection method: clinical testing. Allele origin: germline.
Comment: the same text as in the submission from Illumina Laboratory Services, Illumina above.

Clinical Genomics, Uppaluri K&H Personalized Medicine Clinic
Classification: Uncertain significance for Cerebral edema. Review status: criteria provided, single submitter. Criteria: K&H Uppaluri Personalized Medicine Clinic Variant Classification & Assertion Criteria. Collection method: research. Allele origin: somatic. Inheritance: Autosomal dominant inheritance.
Comment: Mutations in ABCC8 gene are generally associated with both neonatal diabetes mellitus as well as MODY. Patients with this mutation may respond to sulfonylureas. However, there is insufficient data to support the role of rs1799857 in Diabetes Mellitus.

PreventionGenetics, part of Exact Sciences
Classification: Benign. Review status: criteria provided, single submitter. Criteria: ACMG Guidelines, 2015. Collection method: clinical testing. Allele origin: germline.

Natera, Inc.
Classification: Benign for Hereditary hyperinsulinism. Last evaluated: 2020-09-16. Review status: no assertion criteria provided. Collection method: clinical testing. Allele origin: germline. Not counted in ClinVar's aggregate classification.

Diagnostic Laboratory, Department of Genetics, University Medical Center Groningen
Classification: Benign. Review status: no assertion criteria provided. Collection method: clinical testing. Allele origin: germline. Affected: yes. Study: VKGL Data-share Consensus. Not counted in ClinVar's aggregate classification.

Genetic Services Laboratory, University of Chicago
Classification: Likely benign. Review status: no assertion criteria provided. Collection method: clinical testing. Allele origin: germline. Inheritance: Autosomal unknown. Not counted in ClinVar's aggregate classification.
Comment: Likely benign based on allele frequency in 1000 Genomes Project or ESP global frequency and its presence in a patient with a rare or unrelated disease phenotype. NOT Sanger confirmed

Joint Genome Diagnostic Labs from Nijmegen and Maastricht, Radboudumc and MUMC+
Classification: Benign. Review status: no assertion criteria provided. Collection method: clinical testing. Allele origin: germline. Affected: yes. Study: VKGL Data-share Consensus. Not counted in ClinVar's aggregate classification.

Literature cited by the submitters: PubMed 27677908 (cited by Clinical Genomics, Uppaluri K&H Personalized Medicine Clinic).